The following is an entry in ClinVar:

NM_000388.4(CASR):c.2470G>A (p.Ala824Thr)

Gene: CASR (calcium sensing receptor; plus strand). Cytogenetic location: 3q21.1.
Variant type: single nucleotide variant.
Coding change: c.2470G>A on transcript NM_000388.4 (MANE Select); coding-DNA position 2470, G replaced by A.
Protein change: p.Ala824Thr; replaces alanine 824 with threonine.
Molecular consequence: missense variant.
Genome position (GRCh38, 1-based): chr3:122,284,424, G>A. VCF-style: chr3-122284424-G-A. GRCh37 (hg19) VCF-style: chr3-122003271-G-A.
Other names: c.2500G>A, p.Ala834Thr (NM_001178065.2); c.2470G>A (NM_000388.3); short protein forms A824T, A834T.
Identifiers: ClinVar variation 1483336 (VCV001483336.7), dbSNP rs2107650576, ClinGen allele CA354159991.
Genomic context (GRCh38, chr3:122,284,424, plus strand): 5'-GCCAAGTTCATCACCTTCAGCATGCTCATCTTCTTCATCGTCTGGATCTCCTTCATTCCA[G>A]CCTATGCCAGCACCTATGGCAAGTTTGTCTCTGCCGTAGAGGTGATTGCCATCCTGGCAG-3'
Protein context (NP_000379.3, residues 814-834): FFIVWISFIP[Ala824Thr]YASTYGKFVS

ClinVar aggregate classification (germline): Uncertain significance. Review status: criteria provided, multiple submitters, no conflicts (2 of 4 stars). 2 submissions from 2 submitters: Uncertain significance (2). Last evaluated 2025-01-23.

Conditions:
Familial hypocalciuric hypercalcemia (FHH). Also called: Familial benign hypercalcemia. Identifiers: Orphanet 405, MedGen C1809471, MONDO:0018458.
Autosomal dominant hypocalcemia 1 (HYPOC1). Also called: HYPOCALCEMIA, FAMILIAL. Identifiers: MedGen C3715128, MONDO:0011013, OMIM 601198.

Submissions (2):

GeneDx
Classification: Uncertain significance. Last evaluated: 2025-01-23. Review status: criteria provided, single submitter. Criteria: GeneDx Variant Classification Process June 2021. Collection method: clinical testing. Allele origin: germline. Affected: yes.
Comment: Not observed at significant frequency in large population cohorts (gnomAD); In silico analysis supports that this missense variant has a deleterious effect on protein structure/function; Has not been previously published as pathogenic or benign to our knowledge

Labcorp Genetics (formerly Invitae), Labcorp
Classification: Uncertain significance for Familial hypocalciuric hypercalcemia; Autosomal dominant hypocalcemia 1. Last evaluated: 2024-01-29. Review status: criteria provided, single submitter. Criteria: Invitae Variant Classification Sherloc (09022015). Collection method: clinical testing. Allele origin: germline.
Comment: This sequence change replaces alanine, which is neutral and non-polar, with threonine, which is neutral and polar, at codon 824 of the CASR protein (p.Ala824Thr). This variant is not present in population databases (gnomAD no frequency). This variant has not been reported in the literature in individuals affected with CASR-related conditions. ClinVar contains an entry for this variant (Variation ID: 1483336). An algorithm developed to predict the effect of missense changes on protein structure and function (PolyPhen-2) suggests that this variant is likely to be disruptive. In summary, the available evidence is currently insufficient to determine the role of this variant in disease. Therefore, it has been classified as a Variant of Uncertain Significance.